The following is an entry in ClinVar:

ClinVar aggregate classification (germline): Uncertain significance. Review status: criteria provided, multiple submitters, no conflicts (2 of 4 stars). 2 submissions from 2 submitters: Uncertain significance (2). Last evaluated 2025-05-25.

Conditions:
POLD1-related polyposis and colorectal cancer syndrome (CRCS10). Also called: Colorectal cancer, susceptibility to, 10; Colorectal cancer 10; COLORECTAL CANCER, SUSCEPTIBILITY TO, ON CHROMOSOME 19q. Identifiers: Orphanet 220460, MedGen C2675481, MONDO:0012953, OMIM 612591.
Hereditary cancer-predisposing syndrome. Also called: Hereditary Cancer Syndrome; Hereditary neoplastic syndrome; Neoplastic Syndromes, Hereditary; Tumor predisposition. Identifiers: Orphanet 140162, MedGen C0027672, MeSH D009386, MONDO:0015356.

Submissions (2):

Ambry Genetics
Classification: Uncertain significance for Hereditary cancer-predisposing syndrome. Last evaluated: 2025-05-25. Review status: criteria provided, single submitter. Criteria: Ambry Variant Classification Scheme 2023. Collection method: clinical testing. Allele origin: germline.
Comment: The c.2987_2988ins16 variant, located in coding exon 23 of the POLD1 gene, results from an insertion of 16 nucleotides at position 2987, causing a translational frameshift with a predicted alternate stop codon (p.G997Afs*36). This alteration is expected to result in protein truncation or nonsense-mediated mRNA decay. However, loss of function of POLD1 has not been established as a mechanism of disease. Based on the available evidence, the clinical significance of this alteration remains unclear.

Labcorp Genetics (formerly Invitae), Labcorp
Classification: Uncertain significance for POLD1-related polyposis and colorectal cancer syndrome. Last evaluated: 2023-12-08. Review status: criteria provided, single submitter. Criteria: Invitae Variant Classification Sherloc (09022015). Collection method: clinical testing. Allele origin: germline.
Comment: This sequence change creates a premature translational stop signal (p.Gly997Alafs*36) in the POLD1 gene. Missense variants that disrupt the 3'-5' exonuclease (proof-reading) activity of the POLD1 protein are associated with PPAP (polymerase proofreading‚Äìassociated polyposis) (PMID: 23263490, 23447401). However, loss-of-function variants that result in an absent or severely disrupted POLD1 protein, and missense variants outside the exonuclease domain, are unlikely to be associated with PPAP. This variant is not present in population databases (gnomAD no frequency). This variant has not been reported in the literature in individuals affected with POLD1-related conditions. ClinVar contains an entry for this variant (Variation ID: 822436). In summary, the available evidence is currently insufficient to determine the role of this variant in disease. Therefore, it has been classified as a Variant of Uncertain Significance.

Literature cited by the submitters: PubMed 23263490 (cited by Labcorp Genetics (formerly Invitae), Labcorp); PubMed 23447401 (cited by Labcorp Genetics (formerly Invitae), Labcorp).

NM_002691.4(POLD1):c.2987_2988insTGCAGACGGTGCTCAC (p.Gly997fs)

Gene: POLD1 (DNA polymerase delta 1, catalytic subunit; plus strand). Cytogenetic location: 19q13.33.
Variant type: Insertion.
Coding change: c.2987_2988insTGCAGACGGTGCTCAC on transcript NM_002691.4 (MANE Select); coding-DNA positions 2987 to 2988, TGCAGACGGTGCTCAC inserted.
Protein change: p.Gly997fs; shifts the reading frame from glycine 997.
Molecular consequence: frameshift variant. On other transcripts: non-coding transcript variant (1).
Genome position: GRCh38 VCF-style: chr19-50416630-A-AAGACGGTGCTCACTGC. GRCh37 (hg19) VCF-style: chr19-50919887-A-AAGACGGTGCTCACTGC.
Other names: c.2987_2988insTGCAGACGGTGCTCAC, p.Gly997fs (NM_001256849.1); c.3065_3066insTGCAGACGGTGCTCAC, p.Gly1023fs (NM_001308632.1); short protein forms G997fs, G1023fs.
Identifiers: ClinVar variation 822436 (VCV000822436.9), dbSNP rs1601247432, ClinGen allele CA915951895.